The following is an entry in ClinVar:

ClinVar aggregate classification (germline): Uncertain significance (1 of 4 stars; one submission).

Submission:

Dasa
Classification: Uncertain significance. Last evaluated: 2025-03-21. Review status: criteria provided, single submitter. Criteria: DASA Assertion Criteria. Collection method: clinical testing. Allele origin: germline.
Comment: NM_004484.4(GPC3):c.254C>G (p.Ala85Gly) is a missense variant that results in the substitution of alanine with glycine. This variant is absent from population databases. Computational prediction algorithms are consistent with a benign effect. The currently available literature and clinical evidence are not sufficient to establish a definitive association between this variant and the reported condition. Therefore, this variant is classified as a variant of uncertain significance.

NM_004484.4(GPC3):c.254C>G (p.Ala85Gly)

Gene: GPC3 (glypican 3; minus strand). Cytogenetic location: Xq26.2.
Variant type: single nucleotide variant.
Coding change: c.254C>G on transcript NM_004484.4 (MANE Select); coding-DNA position 254, C replaced by G.
Protein change: p.Ala85Gly; replaces alanine 85 with glycine.
Molecular consequence: missense variant. On other transcripts: intron variant (1).
Genome position (GRCh38, 1-based): chrX:133,953,133, G>C on the plus strand (C>G on the coding strand, the complement: GPC3 is on the minus strand). VCF-style: chrX-133953133-G-C. GRCh37 (hg19) VCF-style: chrX-133087160-G-C.
Other names: c.254C>G, p.Ala85Gly (NM_001164617.2, NM_001164618.2); c.175+32142C>G (NM_001164619.2); short protein forms A85G.
Identifiers: ClinVar variation 4882436 (VCV004882436.2).
Genomic context (GRCh38, chrX:133,953,133, plus strand): 5'-ATAATTAAGAACTTGAGCTCCATACTTGCAGACTGAAGCAGCTGTTCCATGTTCAATCGT[G>C]CTGTTAGTTGGTATTTTTCTTCCATCTTTCTTGAGCAGCATGTTGGGCCCTTAGGGAGAC-3'
Protein context (NP_004475.1, residues 75-95): RKMEEKYQLT[Ala85Gly]RLNMEQLLQS